The following is an entry in ClinVar:

NM_003319.4(TTN):c.45637dup (p.Thr15213fs)

Genes: TTN (titin; minus strand), TTN-AS1 (TTN antisense RNA 1; plus strand). Cytogenetic location: 2q31.2.
Variant type: Duplication.
Coding change: c.45637dup on transcript NM_003319.4; coding-DNA position 45637, one base duplicated (A; older notation c.45637dupA).
Protein change: p.Thr15213fs; shifts the reading frame from threonine 15213.
Molecular consequence: frameshift variant (on NM_133378.4).
Genome position (GRCh38, 1-based): chr2:178,573,300, T duplicated on the plus strand (A on the coding strand, the reverse complement: TTN is on the minus strand). VCF-style (leftmost placement, unchanged base first): chr2-178573299-G-GT. GRCh37 (hg19) VCF-style: chr2-179438026-G-GT.
Other names: NM_133378.4:c.65128dupA; p.Thr21710AsnfsX2; c.65128_65129insA (NM_133378.4); c.67909dup, p.Thr22637fs (NM_001256850.1); c.72832dup, p.Thr24278fs (NM_001267550.2); c.65128dup, p.Thr21710fs (NM_133378.4); c.46012dup, p.Thr15338fs (NM_133432.3); c.46213dup, p.Thr15405fs (NM_133437.4); and 1 more; short protein forms T15213fs, T15338fs, T15405fs, T22637fs, T21710fs, T24278fs.
Identifiers: ClinVar variation 228304 (VCV000228304.7), dbSNP rs876657669, ClinGen allele CA10576486.
Genomic context (GRCh38, chr2:178,573,299, plus strand): 5'-ATAATCCTGAACTCATATTCATGTCCTTCTGTCAGTCCAGACACTTTATATCTTAAATCA[G>GT]TAAGAGTTTTTTTGTTGCATTTAATCCAGCGTTGGCCAGCTTTATCACGCCGTTCCACAA-3'

ClinVar aggregate classification (germline): Likely pathogenic. Review status: criteria provided, multiple submitters, no conflicts (2 of 4 stars). 2 submissions from 2 submitters: Likely pathogenic (2). Last evaluated 2021-03-18.

Conditions:
Cardiovascular phenotype. Identifiers: MedGen CN230736.
Primary dilated cardiomyopathy (DCM). Also called: Dilated Cardiomyopathy. Identifiers: Orphanet 217604, MedGen C0007193, MeSH D002311, MONDO:0005021, HP:0001644. Inheritance: Various modes of inheritance.

Submissions (2):

Ambry Genetics
Classification: Likely pathogenic for Cardiovascular phenotype. Last evaluated: 2021-03-18. Review status: criteria provided, single submitter. Criteria: Ambry Variant Classification Scheme 2023. Collection method: clinical testing. Allele origin: germline.
Comment: The c.45637dupA variant, located in coding exon 153 of the TTN gene, results from a duplication of A at nucleotide position 45637, causing a translational frameshift with a predicted alternate stop codon (p.T15213Nfs*2). This exon is located in the A-band region of the N2-B isoform of the titin protein and is constitutively expressed in TTN transcripts (percent spliced in or PSI 100%). This variant was not reported in population-based cohorts in the Genome Aggregation Database (gnomAD). This alteration is expected to result in loss of function by premature protein truncation or nonsense-mediated mRNA decay. While truncating variants in TTN are present in 1-3% of the general population, truncating variants in the A-band are the most common cause of dilated cardiomyopathy (DCM) (Herman DS et al. N. Engl. J. Med., 2012 Feb;366:619-28; Roberts AM et al. Sci Transl Med, 2015 Jan;7:270ra6). TTN truncating variants encoded in constitutive exons (PSI >90%) have been found to be significantly associated with DCM regardless of their position in titin (Schafer S et al. Nat. Genet., 2017 01;49:46-53). As such, this alteration is classified as likely pathogenic.

Laboratory for Molecular Medicine, Mass General Brigham Personalized Medicine
Classification: Likely pathogenic for Primary dilated cardiomyopathy. Last evaluated: 2015-06-11. Review status: criteria provided, single submitter. Criteria: LMM Criteria. Collection method: clinical testing. Allele origin: germline. Inheritance: Autosomal dominant inheritance. Observed: 1 variant allele.
Comment: The p.Thr21710fs variant in TTN has not been previously reported in individuals with cardiomyopathy or in large population studies, though the ability of these to accurately detect indels may be limited. This variant is predicted to cause a frameshift, which alters the protein?s amino acid sequence beginning at positio n 21710 and leads to a premature termination codon 2 amino acids downstream. Thi s alteration is then predicted to lead to a truncated or absent protein. Framesh ift and other truncating variants in TTN are strongly associated with DCM if the y are located in the exons encoding for the A-band (Herman 2012, Pugh 2014) and/ or are located in an exon that is highly expressed in the heart (Roberts 2015). The p.Thr21710fs variant is located in A-band in the highly expressed exon 275. In summary, although additional studies are required to fully establish its clin ical significance, the p.Thr21710fs variant is likely pathogenic.